The following is an entry in ClinVar:

ClinVar aggregate classification (germline): Likely pathogenic (1 of 4 stars; one submission).

Submission:

GeneDx
Classification: Likely pathogenic. Last evaluated: 2015-10-03. Review status: criteria provided, single submitter. Criteria: GeneDx Variant Classification (06012015). Collection method: clinical testing. Allele origin: germline. Affected: yes.
Comment: The L2529P variant in the ITPR1 gene has not been published as a pathogenic variant, nor has it been reported as a benign polymorphism to our knowledge. The L2529P variant was not observed in approximately 6300 individuals of European and African American ancestry in the NHLBI Exome Sequencing Project, indicating it is not a common benign variant in these populations. The L2529P variant is a semi-conservative amino acid substitution, which occurs at a position that is conserved across species. In silico analysis predicts this variant is probably damaging to the protein structure/function. The L2529P variant is a strong candidate for a pathogenic variant. However the possibility it may be a rare benign variant cannot be excluded.

NM_001378452.1(ITPR1):c.7775T>C (p.Leu2592Pro)

Genes: ITPR1 (inositol 1,4,5-trisphosphate receptor type 1; plus strand), LOC126806590 (MED14-independent group 3 enhancer GRCh37_chr3:4855759-4856958; plus strand). Cytogenetic location: 3p26.1.
Variant type: single nucleotide variant.
Coding change: c.7775T>C on transcript NM_001378452.1 (MANE Select); coding-DNA position 7775, T replaced by C.
Protein change: p.Leu2592Pro; replaces leucine 2592 with proline.
Molecular consequence: missense variant.
Genome position (GRCh38, 1-based): chr3:4,815,126, T>C. VCF-style: chr3-4815126-T-C. GRCh37 (hg19) VCF-style: chr3-4856810-T-C.
Other names: c.7631T>C, p.Leu2544Pro (NM_001099952.4); c.7730T>C, p.Leu2577Pro (NM_001168272.2); c.7586T>C, p.Leu2529Pro (NM_002222.7); short protein forms L2529P, L2577P, L2544P, L2592P.
Identifiers: ClinVar variation 429586 (VCV000429586.2), dbSNP rs1131691473, ClinGen allele CA351649641.